The following is an entry in ClinVar:

NM_205850.3(SLC24A5):c.1193T>C (p.Met398Thr)

Genes: MYEF2 (myelin expression factor 2; minus strand), SLC24A5 (solute carrier family 24 member 5; plus strand). Cytogenetic location: 15q21.1.
Variant type: single nucleotide variant.
Coding change: c.1193T>C on transcript NM_205850.3 (MANE Select); coding-DNA position 1193, T replaced by C.
Protein change: p.Met398Thr; replaces methionine 398 with threonine.
Molecular consequence: missense variant. On other transcripts: 3 prime UTR variant (2).
Genome position (GRCh38, 1-based): chr15:48,142,041, T>C. VCF-style: chr15-48142041-T-C. GRCh37 (hg19) VCF-style: chr15-48434238-T-C.
Other names: c.*867A>G (NM_001301210.2, NM_016132.5); short protein forms M398T.
Identifiers: ClinVar variation 3605809 (VCV003605809.2).

ClinVar aggregate classification (germline): Uncertain significance (1 of 4 stars; one submission).

gnomAD v4.1: 7 of 1,608,968 alleles (0.00044%); highest among the groups gnomAD compares: African/African-American, 0.0013%; no homozygotes.

Submission:

Labcorp Genetics (formerly Invitae), Labcorp
Classification: Uncertain significance. Last evaluated: 2024-04-12. Review status: criteria provided, single submitter. Criteria: Invitae Variant Classification Sherloc (09022015). Collection method: clinical testing. Allele origin: germline.
Comment: This sequence change replaces methionine, which is neutral and non-polar, with threonine, which is neutral and polar, at codon 398 of the SLC24A5 protein (p.Met398Thr). This variant is present in population databases (rs370973689, gnomAD 0.0009%). This variant has not been reported in the literature in individuals affected with SLC24A5-related conditions. Advanced modeling of protein sequence and biophysical properties (such as structural, functional, and spatial information, amino acid conservation, physicochemical variation, residue mobility, and thermodynamic stability) performed at Invitae indicates that this missense variant is expected to disrupt SLC24A5 protein function with a positive predictive value of 80%. In summary, the available evidence is currently insufficient to determine the role of this variant in disease. Therefore, it has been classified as a Variant of Uncertain Significance.